The following is an entry in ClinVar:

ClinVar aggregate classification (germline): Pathogenic. Review status: criteria provided, multiple submitters, no conflicts (2 of 4 stars). 2 submissions from 2 submitters: Pathogenic (2). Last evaluated 2024-10-26.

Conditions:
Familial hypobetalipoproteinemia 1. Also called: APOB-Related Familial Hypobetalipoproteinemia; Hypobetalipoproteinemia, normotriglyceridemic; Acanthocytosis with hypobetalipoproteinemia. Identifiers: MedGen C4551990, MONDO:0014252, OMIM 615558.
Hypercholesterolemia, autosomal dominant, type B (FHCL2). Also called: Familial Hypercholesterolemia Type B; APOLIPOPROTEIN B-100, FAMILIAL DEFECTIVE; APOLIPOPROTEIN B-100, FAMILIAL LIGAND-DEFECTIVE; HYPERCHOLESTEROLEMIA, FAMILIAL, DUE TO LIGAND-DEFECTIVE APOLIPOPROTEIN B; Hyperlipoproteinemia Type IIb; Familial hypercholesterolemia 2. Identifiers: MedGen C1704417, MONDO:0007751, OMIM 144010.

Submissions (2):

Labcorp Genetics (formerly Invitae), Labcorp
Classification: Pathogenic for Familial hypobetalipoproteinemia 1; Hypercholesterolemia, autosomal dominant, type B. Last evaluated: 2024-10-26. Review status: criteria provided, single submitter. Criteria: Invitae Variant Classification Sherloc (09022015). Collection method: clinical testing. Allele origin: germline.
Comment: This sequence change creates a premature translational stop signal (p.His2227Metfs*50) in the APOB gene. It is expected to result in an absent or disrupted protein product. Loss-of-function variants in APOB are known to be pathogenic (PMID: 20032471). This variant is not present in population databases (gnomAD no frequency). This variant has not been reported in the literature in individuals affected with APOB-related conditions. ClinVar contains an entry for this variant (Variation ID: 2650709). For these reasons, this variant has been classified as Pathogenic.

CeGaT Center for Human Genetics Tuebingen
Classification: Pathogenic. Last evaluated: 2023-06-01. Review status: criteria provided, single submitter. Criteria: CeGaT Center For Human Genetics Tuebingen Variant Classification Criteria Version 2. Collection method: clinical testing. Allele origin: germline. Affected: yes. Observed: 1 variant allele.
Comment: APOB: PVS1, PM2

Literature cited by the submitters: PubMed 20032471 (cited by Labcorp Genetics (formerly Invitae), Labcorp).

NM_000384.3(APOB):c.6679del (p.His2227fs)

Gene: APOB (apolipoprotein B; minus strand). Cytogenetic location: 2p24.1.
Variant type: Deletion.
Coding change: c.6679del on transcript NM_000384.3 (MANE Select); coding-DNA position 6679, one base deleted (C; older notation c.6679delC).
Protein change: p.His2227fs; shifts the reading frame from histidine 2227.
Molecular consequence: frameshift variant.
Genome position (GRCh38, 1-based): chr2:21,010,189, G deleted on the plus strand (C on the coding strand, the reverse complement: APOB is on the minus strand); the first of 2 consecutive G bases (chr2:21,010,189-21,010,190); deleting either gives the same sequence. VCF-style (leftmost placement, unchanged base first): chr2-21010188-TG-T. GRCh37 (hg19) VCF-style: chr2-21233060-TG-T.
Other names: short protein forms H2227fs.
Identifiers: ClinVar variation 2650709 (VCV002650709.27), dbSNP rs2103356720, ClinGen allele CA2503528262.
Genomic context (GRCh38, chr2:21,010,188, plus strand): 5'-GATGCAGTACTACTTCCACTTTTGTTAAAATCAATATTTTCAATAAACAAATGTAGATCA[TG>T]GATTGTTTTTACTAAATTTACACGGATATGATAGTGCTCATCAAGACTTTTTAATTTTTC-3'